The following is an entry in ClinVar:

ClinVar aggregate classification (germline): Uncertain significance (1 of 4 stars; one submission).

Conditions:
Malignant hyperthermia, susceptibility to, 1 (MHS1). Also called: RYR1-Related Malignant Hyperthermia Susceptibility; Malignant hyperthermia suceptibility 1; Anesthesia related hyperthermia; Malignant hyperpyrexia; Fulminating hyperpyrexia; Pharmacogenic myopathy. Identifiers: Orphanet 423, MedGen C2930980, MONDO:0007783, OMIM 145600.

Submission:

Color Diagnostics, LLC DBA Color Health
Classification: Uncertain significance for Malignant hyperthermia, susceptibility to, 1. Last evaluated: 2025-07-08. Review status: criteria provided, single submitter. Criteria: ACMG Guidelines, 2015. Collection method: clinical testing. Allele origin: germline.
Comment: This missense variant replaces alanine with threonine at codon 1681 of the RYR1 protein. Computational prediction suggests that this variant may have deleterious impact on protein structure and function. To our knowledge, functional studies have not been reported for this variant. This variant has not been reported in individuals affected with RYR1-related disorders in the literature. This variant has not been identified in the general population by the Genome Aggregation Database (gnomAD). The available evidence is insufficient to determine the role of this variant in disease conclusively. Therefore, this variant is classified as a Variant of Uncertain Significance.

NM_000540.3(RYR1):c.5041G>A (p.Ala1681Thr)

Gene: RYR1 (ryanodine receptor 1; plus strand). Cytogenetic location: 19q13.2.
Variant type: single nucleotide variant.
Coding change: c.5041G>A on transcript NM_000540.3 (MANE Select); coding-DNA position 5041, G replaced by A.
Protein change: p.Ala1681Thr; replaces alanine 1681 with threonine.
Molecular consequence: missense variant.
Genome position (GRCh38, 1-based): chr19:38,485,696, G>A. VCF-style: chr19-38485696-G-A. GRCh37 (hg19) VCF-style: chr19-38976336-G-A.
Other names: c.5041G>A, p.Ala1681Thr (NM_001042723.2); short protein forms A1681T.
Identifiers: ClinVar variation 4758945 (VCV004758945.1).